The following is an entry in ClinVar:

ClinVar aggregate classification (germline): Likely pathogenic (1 of 4 stars; one submission).

Conditions:
Glycogen storage disease type III (GSD3). Also called: FORBES DISEASE; Cori disease. Identifiers: Orphanet 366, MedGen C0017922, MONDO:0009291, OMIM 232400.

Submission:

Myriad Genetics, Inc.
Classification: Likely pathogenic for Glycogen storage disease type III. Last evaluated: 2022-04-01. Review status: criteria provided, single submitter. Criteria: Myriad Women's Health Autosomal Recessive and X-Linked Classification Criteria (2021). Collection method: clinical testing. Allele origin: unknown.
Comment: NM_000642.2(AGL):c.615_616ins5(K206Ffs*36) is expected to be pathogenic in the context of glycogen storage disease type III. This variant is predicted to lead to an abnormal or absent protein product due to the creation of a premature termination codon in AGL, a gene where loss-of-function variants are known to be pathogenic. Please note: this variant was assessed in the context of healthy population screening.

NM_000642.3(AGL):c.615_616insTTCCT (p.Lys206fs)

Gene: AGL (amylo-alpha-1,6-glucosidase and 4-alpha-glucanotransferase; plus strand). Cytogenetic location: 1p21.2.
Variant type: Insertion.
Coding change: c.615_616insTTCCT on transcript NM_000642.3 (MANE Select); coding-DNA positions 615 to 616, TTCCT inserted.
Protein change: p.Lys206fs; shifts the reading frame from lysine 206.
Molecular consequence: frameshift variant.
Genome position: GRCh38 VCF-style: chr1-99864540-A-ATTCCT. GRCh37 (hg19) VCF-style: chr1-100330096-A-ATTCCT.
Other names: c.615_616insTTCCT, p.Lys206Phefs (NM_000028.3, NM_000643.3, NM_000644.3 and 3 more transcripts); c.567_568insTTCCT, p.Lys190Phefs (NM_000646.3); c.237_238insTTCCT, p.Lys80Phefs (NM_001425332.1); short protein forms K190fs, K206fs.
Identifiers: ClinVar variation 1725812 (VCV001725812.2), dbSNP rs2524517955, ClinGen allele CA2580063373.